The following is an entry in ClinVar:

ClinVar aggregate classification (germline): Uncertain significance. Review status: criteria provided, multiple submitters, no conflicts (2 of 4 stars). 2 submissions from 2 submitters: Uncertain significance (2). Last evaluated 2026-01-08.

Conditions:
Inborn genetic diseases. Identifiers: MedGen C0950123, MeSH D030342.
Immunodeficiency 14 (IMD14A). Also called: p110-DELTA-ACTIVATING MUTATION CAUSING SENESCENT T CELLS, LYMPHADENOPATHY, AND IMMUNODEFICIENCY; Activated PI3K Delta Syndrome Type 1 (APDS1); IMMUNODEFICIENCY 14A WITH LYMPHOPROLIFERATION, AUTOSOMAL DOMINANT; ACTIVATED PI3K-DELTA SYNDROME 1. Identifiers: Orphanet 397596, Orphanet 693661, MedGen C5907821, MONDO:0014222, OMIM 615513.

Allele frequency attached by ClinVar (database versions not stated): TOPMed 0.00002; ExAC 0.00003.
gnomAD v4.1: 29 of 1,613,722 alleles (0.0018%); highest among the groups gnomAD compares: East Asian, 0.0022%; no homozygotes.

Submissions (2):

Labcorp Genetics (formerly Invitae), Labcorp
Classification: Uncertain significance for Activated PI3K-delta syndrome. Last evaluated: 2026-01-08. Review status: criteria provided, single submitter. Criteria: Invitae Variant Classification Sherloc (09022015). Collection method: clinical testing. Allele origin: germline.
Comment: This sequence change replaces valine, which is neutral and non-polar, with isoleucine, which is neutral and non-polar, at codon 699 of the PIK3CD protein (p.Val699Ile). This variant is present in population databases (rs751020974, gnomAD 0.003%). This variant has not been reported in the literature in individuals affected with PIK3CD-related conditions. ClinVar contains an entry for this variant (Variation ID: 943777). Invitae Evidence Modeling of protein sequence and biophysical properties (such as structural, functional, and spatial information, amino acid conservation, physicochemical variation, residue mobility, and thermodynamic stability) indicates that this missense variant is not expected to disrupt PIK3CD protein function with a negative predictive value of 80%. In summary, the available evidence is currently insufficient to determine the role of this variant in disease. Therefore, it has been classified as a Variant of Uncertain Significance.

Ambry Genetics
Classification: Uncertain significance for Inborn genetic diseases. Last evaluated: 2022-11-07. Review status: criteria provided, single submitter. Criteria: Ambry Variant Classification Scheme 2023. Collection method: clinical testing. Allele origin: germline.

NM_005026.5(PIK3CD):c.2095G>A (p.Val699Ile)

Gene: PIK3CD (phosphatidylinositol-4,5-bisphosphate 3-kinase catalytic subunit delta; plus strand). Cytogenetic location: 1p36.22.
Variant type: single nucleotide variant.
Coding change: c.2095G>A on transcript NM_005026.5 (MANE Select); coding-DNA position 2095, G replaced by A.
Protein change: p.Val699Ile; replaces valine 699 with isoleucine.
Molecular consequence: missense variant.
Genome position (GRCh38, 1-based): chr1:9,722,014, G>A. VCF-style: chr1-9722014-G-A. GRCh37 (hg19) VCF-style: chr1-9782072-G-A.
Other names: c.2092G>A, p.Val698Ile (NM_001350234.2); c.2008G>A, p.Val670Ile (NM_001350235.1); short protein forms V670I, V698I, V699I.
Identifiers: ClinVar variation 943777 (VCV000943777.11), dbSNP rs751020974, ClinGen allele CA577438.
Genomic context (GRCh38, chr1:9,722,014, plus strand): 5'-GCCCTCCCATCTGCCCACCAGGGGGAAGCACTGAGCAAACTGAAGGCCCTGAATGACTTC[G>A]TCAAGCTGAGCTCTCAGAAGACCCCCAAGCCCCAGACCAAGGAGCTGATGCACTTGTGCA-3'
Protein context (NP_005017.3, residues 689-709): LSKLKALNDF[Val699Ile]KLSSQKTPKP